The following is an entry in ClinVar:

NM_001349253.2(SCN11A):c.1532A>T (p.Asp511Val)

Gene: SCN11A (sodium voltage-gated channel alpha subunit 11; minus strand). Cytogenetic location: 3p22.2.
Variant type: single nucleotide variant.
Coding change: c.1532A>T on transcript NM_001349253.2 (MANE Select); coding-DNA position 1532, A replaced by T.
Protein change: p.Asp511Val; replaces aspartic acid 511 with valine.
Molecular consequence: missense variant.
Genome position (GRCh38, 1-based): chr3:38,905,263, T>A on the plus strand (A>T on the coding strand, the complement: SCN11A is on the minus strand). VCF-style: chr3-38905263-T-A. GRCh37 (hg19) VCF-style: chr3-38946754-T-A.
Other names: c.1532A>T, p.Asp511Val (NM_014139.3); short protein forms D511V.
Identifiers: ClinVar variation 1003480 (VCV001003480.5), dbSNP rs895386347, ClinGen allele CA72962170.

ClinVar aggregate classification (germline): Uncertain significance (1 of 4 stars; one submission).

Conditions:
Hereditary sensory and autonomic neuropathy type 7. Also called: HSAN VII; Neuropathy, hereditary sensory and autonomic, type VII. Identifiers: Orphanet 391397, MedGen C3809882, MONDO:0014244, OMIM 615548.
Familial episodic pain syndrome with predominantly lower limb involvement. Also called: Episodic pain syndrome, familial, 3. Identifiers: Orphanet 391384, Orphanet 391392, MedGen C3809899, MONDO:0014247, OMIM 615552.

Allele frequency attached by ClinVar (database versions not stated): gnomAD 0.00001; gnomAD exomes below 0.00001 and 0.00002; TOPMed 0.00001.
gnomAD v4.1: 35 of 1,613,998 alleles (0.0022%); highest among the groups gnomAD compares: Non-Finnish European, 0.0027%; no homozygotes.

Submission:

Labcorp Genetics (formerly Invitae), Labcorp
Classification: Uncertain significance for Familial episodic pain syndrome with predominantly lower limb involvement; Hereditary sensory and autonomic neuropathy type 7. Last evaluated: 2026-02-03. Review status: criteria provided, single submitter. Criteria: Invitae Variant Classification Sherloc (09022015). Collection method: clinical testing. Allele origin: germline.
Comment: This sequence change replaces aspartic acid, which is acidic and polar, with valine, which is neutral and non-polar, at codon 511 of the SCN11A protein (p.Asp511Val). This variant is present in population databases (no rsID available, gnomAD 0.0009%). This variant has not been reported in the literature in individuals affected with SCN11A-related conditions. ClinVar contains an entry for this variant (Variation ID: 1003480). Invitae Evidence Modeling of protein sequence and biophysical properties (such as structural, functional, and spatial information, amino acid conservation, physicochemical variation, residue mobility, and thermodynamic stability) indicates that this missense variant is not expected to disrupt SCN11A protein function with a negative predictive value of 80%. In summary, the available evidence is currently insufficient to determine the role of this variant in disease. Therefore, it has been classified as a Variant of Uncertain Significance.